The following is an entry in ClinVar:

NM_004525.3(LRP2):c.*18G>A

Gene: LRP2 (LDL receptor related protein 2; minus strand). Cytogenetic location: 2q31.1.
Variant type: single nucleotide variant.
Coding change: c.*18G>A on transcript NM_004525.3 (MANE Select); 18 bases downstream of the stop codon, G replaced by A.
Molecular consequence: 3 prime UTR variant.
Genome position (GRCh38, 1-based): chr2:169,128,645, C>T on the plus strand (G>A on the coding strand, the complement: LRP2 is on the minus strand). VCF-style: chr2-169128645-C-T. GRCh37 (hg19) VCF-style: chr2-169985155-C-T.
Identifiers: ClinVar variation 332065 (VCV000332065.6), dbSNP rs141693983, ClinGen allele CA1952369.
Genomic context (GRCh38, chr2:169,128,645, plus strand): 5'-GTTAACTTTTTTCATCTGTTTGTAAAAAATATATGTGCAAAAGTGTGTTTCTAATTATTC[C>T]CTAAATAGCTGGTATAGCTATACTTCAGAGTCTTCTTTAACAAGATTTGCGGTGTCTTTA-3'

ClinVar aggregate classification (germline): Likely benign. Review status: criteria provided, multiple submitters, no conflicts (2 of 4 stars). 2 submissions from 2 submitters: Likely benign (2). Last evaluated 2024-10-24.

Conditions:
Donnai-Barrow syndrome. Also called: DBS/FOAR SYNDROME; FACIOOCULOACOUSTICORENAL SYNDROME. Identifiers: Orphanet 2143, MedGen C1857277, MONDO:0009104, OMIM 222448.

Allele frequency attached by ClinVar (database versions not stated): gnomAD exomes 0.00018 and 0.00051; ExAC 0.00060; 1000 Genomes Project 0.00180; 1000 Genomes Project 30x 0.00203; gnomAD 0.00205 and 0.00226; TOPMed 0.00246; ESP Exome Variant Server 0.00300.
gnomAD v4.1: 588 of 1,609,274 alleles (0.037%); highest among the groups gnomAD compares: African/African-American, 0.7%; no homozygotes.

Submissions (2):

Blueprint Genetics
Classification: Likely benign. Last evaluated: 2024-10-24. Review status: criteria provided, single submitter. Criteria: ACMG Guidelines, 2015. Collection method: clinical testing. Allele origin: germline.

Illumina Laboratory Services, Illumina
Classification: Likely benign for Donnai-Barrow syndrome. Last evaluated: 2018-01-13. Review status: criteria provided, single submitter. Criteria: ICSL Variant Classification Criteria 13 December 2019. Collection method: clinical testing. Allele origin: germline.
Comment: This variant was observed in the ICSL laboratory as part of a predisposition screen in an ostensibly healthy population. It had not been previously curated by ICSL or reported in the Human Gene Mutation Database (HGMD: prior to June 1st, 2018), and was therefore a candidate for classification through an automated scoring system. Utilizing variant allele frequency, disease prevalence and penetrance estimates, and inheritance mode, an automated score was calculated to assess if this variant is too frequent to cause the disease. Based on the score and internal cut-off values, a variant classified as likely benign is not then subjected to further curation. The score for this variant resulted in a classification of likely benign for this disease.